The following is an entry in ClinVar:

ClinVar aggregate classification (germline): Uncertain significance (1 of 4 stars; one submission).

Conditions:
Charcot-Marie-Tooth disease axonal type 2V. Also called: CHARCOT-MARIE-TOOTH NEUROPATHY, TYPE 2V; CHARCOT-MARIE-TOOTH DISEASE, AXONAL, AUTOSOMAL DOMINANT, TYPE 2V. Identifiers: Orphanet 447964, MedGen C5569050, MONDO:0014665, OMIM 616491.
Mucopolysaccharidosis, MPS-III-B (MPS3B). Also called: N-ACETYL-ALPHA-D-GLUCOSAMINIDASE DEFICIENCY; NAGLU DEFICIENCY; SANFILIPPO SYNDROME B; MPS III B; MUCOPOLYSACCHARIDOSIS, TYPE IIIB; MPS IIIB (Sanfilippo Syndrome Type B). Identifiers: Orphanet 79270, MedGen C0086648, MONDO:0009656, OMIM 252920.

Allele frequency attached by ClinVar (database versions not stated): ExAC 0.00001.

Submission:

Labcorp Genetics (formerly Invitae), Labcorp
Classification: Uncertain significance for Charcot-Marie-Tooth disease axonal type 2V; Mucopolysaccharidosis, MPS-III-B. Last evaluated: 2022-08-13. Review status: criteria provided, single submitter. Criteria: Invitae Variant Classification Sherloc (09022015). Collection method: clinical testing. Allele origin: germline.
Comment: This sequence change replaces arginine, which is basic and polar, with glutamine, which is neutral and polar, at codon 533 of the NAGLU protein (p.Arg533Gln). This variant is present in population databases (rs767597884, gnomAD 0.002%). This variant has not been reported in the literature in individuals affected with NAGLU-related conditions. Advanced modeling of protein sequence and biophysical properties (such as structural, functional, and spatial information, amino acid conservation, physicochemical variation, residue mobility, and thermodynamic stability) performed at Invitae indicates that this missense variant is not expected to disrupt NAGLU protein function. In summary, the available evidence is currently insufficient to determine the role of this variant in disease. Therefore, it has been classified as a Variant of Uncertain Significance.

NM_000263.4(NAGLU):c.1598G>A (p.Arg533Gln)

Gene: NAGLU (N-acetyl-alpha-glucosaminidase; plus strand). Cytogenetic location: 17q21.2.
Variant type: single nucleotide variant.
Coding change: c.1598G>A on transcript NM_000263.4 (MANE Select); coding-DNA position 1598, G replaced by A.
Protein change: p.Arg533Gln; replaces arginine 533 with glutamine.
Molecular consequence: missense variant.
Genome position (GRCh38, 1-based): chr17:42,543,604, G>A. VCF-style: chr17-42543604-G-A. GRCh37 (hg19) VCF-style: chr17-40695622-G-A.
Other names: short protein forms R533Q.
Identifiers: ClinVar variation 2163968 (VCV002163968.1), dbSNP rs767597884, ClinGen allele CA8577057.